The following is an entry in ClinVar:

NM_002541.4(OGDH):c.164C>T (p.Ser55Leu)

Gene: OGDH (oxoglutarate dehydrogenase; plus strand). Cytogenetic location: 7p13.
Variant type: single nucleotide variant.
Coding change: c.164C>T on transcript NM_002541.4 (MANE Select); coding-DNA position 164, C replaced by T.
Protein change: p.Ser55Leu; replaces serine 55 with leucine.
Molecular consequence: missense variant.
Genome position (GRCh38, 1-based): chr7:44,624,507, C>T. VCF-style: chr7-44624507-C-T. GRCh37 (hg19) VCF-style: chr7-44664106-C-T.
Other names: p.Ser55Leu; c.164C>T (NM_001363523.1); c.164C>T, p.Ser55Leu (NM_001003941.3, NM_001165036.2, NM_001363523.2); short protein forms S55L.
Identifiers: ClinVar variation 780042 (VCV000780042.38), dbSNP rs2230445, ClinGen allele CA4243471.

ClinVar aggregate classification (germline): Benign/Likely benign. Review status: criteria provided, multiple submitters, no conflicts (2 of 4 stars). 5 submissions from 5 submitters: Benign (2); Likely benign (2). 1 of the submissions does not count toward it. Last evaluated 2026-01-27.

Conditions:
Oxoglutaricaciduria. Identifiers: Orphanet 31, MedGen C2752074, MONDO:0008759, OMIM 203740.
OGDH-related disorder. Also called: OGDH-related condition.

Allele frequency attached by ClinVar (database versions not stated): 1000 Genomes Project 30x 0.00219; 1000 Genomes Project 0.00240; gnomAD 0.00624 and 0.00668; ESP Exome Variant Server 0.00646; TOPMed 0.00665; gnomAD exomes 0.00683 and 0.00845; ExAC 0.00727.
gnomAD v4.1: 13,297 of 1,613,744 alleles (0.82%); highest among the groups gnomAD compares: Middle Eastern, 1.1%; 79 homozygotes.

Submissions (5):

Labcorp Genetics (formerly Invitae), Labcorp
Classification: Benign for Oxoglutaricaciduria. Last evaluated: 2026-01-27. Review status: criteria provided, single submitter. Criteria: Invitae Variant Classification Sherloc (09022015). Collection method: clinical testing. Allele origin: germline.

CeGaT Center for Human Genetics Tuebingen
Classification: Likely benign. Last evaluated: 2025-12-01. Review status: criteria provided, single submitter. Criteria: CeGaT Center For Human Genetics Tuebingen Variant Classification Criteria Version 2. Collection method: clinical testing. Allele origin: germline. Affected: yes. Observed: 3 variant alleles.
Comment: OGDH: BS2

Genomic Medicine Center of Excellence, King Faisal Specialist Hospital and Research Centre
Classification: Likely benign. Last evaluated: 2025-08-18. Review status: criteria provided, single submitter. Criteria: ACMG Guidelines, 2015. Collection method: clinical testing. Allele origin: germline.

Mayo Clinic Laboratories, Mayo Clinic
Classification: Benign. Last evaluated: 2018-08-15. Review status: criteria provided, single submitter. Criteria: ACMG Guidelines, 2015. Collection method: clinical testing. Allele origin: germline. Observed: 8 variant alleles.

PreventionGenetics, part of Exact Sciences
Classification: Benign for OGDH-related condition. Last evaluated: 2019-12-16. Review status: no assertion criteria provided. Collection method: clinical testing. Allele origin: germline. Not counted in ClinVar's aggregate classification.
Comment: This variant is classified as benign based on ACMG/AMP sequence variant interpretation guidelines (Richards et al. 2015 PMID: 25741868, with internal and published modifications).